The following is an entry in ClinVar:

ClinVar aggregate classification (germline): Uncertain significance (1 of 4 stars; one submission).

Conditions:
Cardiovascular phenotype. Identifiers: MedGen CN230736.

Submission:

Ambry Genetics
Classification: Uncertain significance for Cardiovascular phenotype. Last evaluated: 2013-02-08. Review status: criteria provided, single submitter. Criteria: Ambry Autosomal Dominant and X-Linked criteria (10/2015). Collection method: clinical testing. Allele origin: germline. Observed: 1 variant allele.
Comment: There is insufficient or conflicting evidence for classification of this alteration.

NM_000256.3(MYBPC3):c.3347T>C (p.Leu1116Ser)

Gene: MYBPC3 (myosin binding protein C3; minus strand). Cytogenetic location: 11p11.2.
Variant type: single nucleotide variant.
Coding change: c.3347T>C on transcript NM_000256.3 (MANE Select); coding-DNA position 3347, T replaced by C.
Protein change: p.Leu1116Ser; replaces leucine 1116 with serine.
Molecular consequence: missense variant.
Genome position (GRCh38, 1-based): chr11:47,332,957, A>G on the plus strand (T>C on the coding strand, the complement: MYBPC3 is on the minus strand). VCF-style: chr11-47332957-A-G. GRCh37 (hg19) VCF-style: chr11-47354508-A-G.
Other names: c.3347T>C, p.Leu1116Ser (LRG_386t1); short protein forms L1116S.
Identifiers: ClinVar variation 263510 (VCV000263510.3), dbSNP rs886038832, ClinGen allele CA10587724.
Genomic context (GRCh38, chr11:47,332,957, plus strand): 5'-TAGTAGCCATTGCCAATGATGAGCTCTGGCACCACGCAGTGGGTGCGGCGGTAATGCTCC[A>G]AGACGGTGAACCACTCCTGGGGGCAGGGAGGGAGGGGAGGCATCTCTGGGCCAGGCCCTT-3'
Protein context (NP_000247.2, residues 1106-1126): DKKTMEWFTV[Leu1116Ser]EHYRRTHCVV